The following is an entry in ClinVar:

ClinVar aggregate classification (germline): Uncertain significance (1 of 4 stars; one submission).

Conditions:
Dystonic disorder. Also called: Dystonia. Identifiers: MedGen C0013421, MONDO:0003441, HP:0001332.

Allele frequency attached by ClinVar (database versions not stated): gnomAD exomes 0.00001; ExAC 0.00002; gnomAD 0.00002; TOPMed 0.00003.

Submission:

Labcorp Genetics (formerly Invitae), Labcorp
Classification: Uncertain significance for Dystonic disorder. Last evaluated: 2024-02-17. Review status: criteria provided, single submitter. Criteria: Invitae Variant Classification Sherloc (09022015). Collection method: clinical testing. Allele origin: germline.
Comment: This sequence change replaces arginine, which is basic and polar, with glutamine, which is neutral and polar, at codon 620 of the CIZ1 protein (p.Arg620Gln). This variant is present in population databases (rs753424670, gnomAD 0.02%). This variant has not been reported in the literature in individuals affected with CIZ1-related conditions. ClinVar contains an entry for this variant (Variation ID: 2150010). An algorithm developed to predict the effect of missense changes on protein structure and function (PolyPhen-2) suggests that this variant is likely to be disruptive. In summary, the available evidence is currently insufficient to determine the role of this variant in disease. Therefore, it has been classified as a Variant of Uncertain Significance.

NM_001131016.2(CIZ1):c.1859G>A (p.Arg620Gln)

Gene: CIZ1 (CDKN1A interacting zinc finger protein 1; minus strand). Cytogenetic location: 9q34.11.
Variant type: single nucleotide variant.
Coding change: c.1859G>A on transcript NM_001131016.2 (MANE Select); coding-DNA position 1859, G replaced by A.
Protein change: p.Arg620Gln; replaces arginine 620 with glutamine.
Molecular consequence: missense variant.
Genome position (GRCh38, 1-based): chr9:128,176,435, C>T on the plus strand (G>A on the coding strand, the complement: CIZ1 is on the minus strand). VCF-style: chr9-128176435-C-T. GRCh37 (hg19) VCF-style: chr9-130938714-C-T.
Other names: c.1619G>A, p.Arg540Gln (NM_001131018.2); c.1949G>A, p.Arg650Gln (NM_001257975.2); c.1556G>A, p.Arg519Gln (NM_001257976.2); c.1859G>A, p.Arg620Gln (NM_012127.3); c.1691G>A, p.Arg564Gln (NM_001131015.2); c.1676G>A, p.Arg559Gln (NM_001131017.2); short protein forms R519Q, R559Q, R650Q, R540Q, R564Q, R620Q.
Identifiers: ClinVar variation 2150010 (VCV002150010.4), dbSNP rs753424670, ClinGen allele CA5257216.